The following is an entry in ClinVar:

NM_015662.3(IFT172):c.570+1G>A

Gene: IFT172 (intraflagellar transport 172; minus strand). Cytogenetic location: 2p23.3.
Variant type: single nucleotide variant.
Coding change: c.570+1G>A on transcript NM_015662.3 (MANE Select); the canonical splice donor site of the intron after coding-DNA position 570, G replaced by A.
Molecular consequence: splice donor variant.
Genome position (GRCh38, 1-based): chr2:27,483,288, C>T on the plus strand (G>A on the coding strand, the complement: IFT172 is on the minus strand). VCF-style: chr2-27483288-C-T. GRCh37 (hg19) VCF-style: chr2-27706155-C-T.
Other names: c.570+1G>A (NM_001410739.1).
Identifiers: ClinVar variation 3749938 (VCV003749938.2).

ClinVar aggregate classification (germline): Likely pathogenic (1 of 4 stars; one submission).

Conditions:
Short-rib thoracic dysplasia 10 with or without polydactyly (SRTD10). Identifiers: Orphanet 474, MedGen C3810175, MONDO:0014284, OMIM 615630.
Retinitis pigmentosa 71 (RP71). Identifiers: Orphanet 791, MedGen C4225342, MONDO:0014618, OMIM 616394.

gnomAD v4.1: 3 of 1,541,018 alleles (0.00019%); highest among the groups gnomAD compares: South Asian, 0.0034%; no homozygotes.

Submission:

Labcorp Genetics (formerly Invitae), Labcorp
Classification: Likely pathogenic for Retinitis pigmentosa 71; Short-rib thoracic dysplasia 10 with or without polydactyly. Last evaluated: 2025-04-11. Review status: criteria provided, single submitter. Criteria: Invitae Variant Classification Sherloc (09022015). Collection method: clinical testing. Allele origin: germline.
Comment: This sequence change affects a donor splice site in intron 7 of the IFT172 gene. It is expected to disrupt RNA splicing. Variants that disrupt the donor or acceptor splice site typically lead to a loss of protein function (PMID: 16199547), and loss-of-function variants in IFT172 are known to be pathogenic (PMID: 24140113). This variant is not present in population databases (gnomAD no frequency). This variant has not been reported in the literature in individuals affected with IFT172-related conditions. ClinVar contains an entry for this variant (Variation ID: 3749938). Algorithms developed to predict the effect of sequence changes on RNA splicing suggest that this variant may disrupt the consensus splice site. In summary, the currently available evidence indicates that the variant is pathogenic, but additional data are needed to prove that conclusively. Therefore, this variant has been classified as Likely Pathogenic.

Literature cited by the submitters: PubMed 16199547; PubMed 24140113.